The following is an entry in ClinVar:

ClinVar aggregate classification (germline): Conflicting classifications of pathogenicity. Review status: criteria provided, conflicting classifications (1 of 4 stars). 5 submissions from 5 submitters: Uncertain significance (1); Benign (1); Likely benign (3). Last evaluated 2025-11-01.

Conditions:
Cardiovascular phenotype. Identifiers: MedGen CN230736.
Dilated cardiomyopathy 1O (CMD1O). Also called: CARDIOMYOPATHY, DILATED, WITH VENTRICULAR TACHYCARDIA. Identifiers: Orphanet 154, MedGen C1837839, MONDO:0012062, OMIM 608569.

Allele frequency attached by ClinVar (database versions not stated): gnomAD 0.00001; ExAC 0.00002; gnomAD exomes 0.00002; TOPMed 0.00002.

Submissions (5):

CeGaT Center for Human Genetics Tuebingen
Classification: Likely benign. Last evaluated: 2025-11-01. Review status: criteria provided, single submitter. Criteria: CeGaT Center For Human Genetics Tuebingen Variant Classification Criteria Version 2. Collection method: clinical testing. Allele origin: germline. Affected: yes. Observed: 2 variant alleles.
Comment: ABCC9: BP4, BP7

Labcorp Genetics (formerly Invitae), Labcorp
Classification: Benign for Dilated cardiomyopathy 1O. Last evaluated: 2025-02-05. Review status: criteria provided, single submitter. Criteria: Invitae Variant Classification Sherloc (09022015). Collection method: clinical testing. Allele origin: germline.

Women's Health and Genetics/Laboratory Corporation of America, LabCorp
Classification: Uncertain significance. Last evaluated: 2023-03-20. Review status: criteria provided, single submitter. Criteria: LabCorp Variant Classification Summary - May 2015. Collection method: clinical testing. Allele origin: germline.

Ambry Genetics
Classification: Likely benign for Cardiovascular phenotype. Last evaluated: 2023-02-24. Review status: criteria provided, single submitter. Criteria: Ambry Variant Classification Scheme 2023. Collection method: clinical testing. Allele origin: germline.

GeneDx
Classification: Likely benign. Last evaluated: 2021-06-09. Review status: criteria provided, single submitter. Criteria: GeneDx Variant Classification Process June 2021. Collection method: clinical testing. Allele origin: germline. Affected: yes.

NM_020297.4(ABCC9):c.4512T>A (p.Ala1504=)

Genes: ABCC9 (ATP binding cassette subfamily C member 9; minus strand), KCNJ8-AS1 (KCNJ8 antisense RNA 1; plus strand). Cytogenetic location: 12p12.1.
Variant type: single nucleotide variant.
Coding change: c.4512T>A on transcript NM_020297.4 (MANE Select); coding-DNA position 4512, T replaced by A.
Protein change: p.Ala1504=; no amino-acid change (alanine 1504 retained).
Molecular consequence: synonymous variant.
Genome position (GRCh38, 1-based): chr12:21,805,998, A>T on the plus strand (T>A on the coding strand, the complement: ABCC9 is on the minus strand). VCF-style: chr12-21805998-A-T. GRCh37 (hg19) VCF-style: chr12-21958932-A-T.
Other names: c.4512T>A, p.Ala1504= (NM_001377273.1, NM_005691.4); c.3645T>A, p.Ala1215= (NM_001377274.1); c.4512T>A (NM_005691.2).
Identifiers: ClinVar variation 506551 (VCV000506551.21), dbSNP rs777591544, ClinGen allele CA6480840.